The following is an entry in ClinVar:

ClinVar aggregate classification (germline): Benign/Likely benign. Review status: criteria provided, multiple submitters, no conflicts (2 of 4 stars). 3 submissions from 3 submitters: Benign (2); Likely benign (1). Last evaluated 2026-08-11.

Conditions:
PLOD3-related disorder. Also called: PLOD3-related condition.

Allele frequency attached by ClinVar (database versions not stated): ESP Exome Variant Server 0.00046; gnomAD 0.00054 and 0.00083; TOPMed 0.00066; gnomAD exomes 0.00104 and 0.00113; ExAC 0.00124; 1000 Genomes Project 30x 0.00234; 1000 Genomes Project 0.00300.

Submissions (3):

PreventionGenetics, part of Exact Sciences
Classification: Benign for PLOD3-related condition. Last evaluated: 2026-08-11. Review status: criteria provided, single submitter. Criteria: ACMG Guidelines, 2015. Collection method: clinical testing. Allele origin: germline.
Comment: This variant is classified as benign based on ACMG/AMP sequence variant interpretation guidelines (Richards et al. 2015 PMID: 25741868, with internal and published modifications).

Labcorp Genetics (formerly Invitae), Labcorp
Classification: Benign. Last evaluated: 2026-01-20. Review status: criteria provided, single submitter. Criteria: Invitae Variant Classification Sherloc (09022015). Collection method: clinical testing. Allele origin: germline.

Blueprint Genetics
Classification: Likely benign. Last evaluated: 2024-11-27. Review status: criteria provided, single submitter. Criteria: ACMG Guidelines, 2015. Collection method: clinical testing. Allele origin: germline.

NM_001084.5(PLOD3):c.735C>T (p.Tyr245=)

Gene: PLOD3 (procollagen-lysine,2-oxoglutarate 5-dioxygenase 3; minus strand). Cytogenetic location: 7q22.1.
Variant type: single nucleotide variant.
Coding change: c.735C>T on transcript NM_001084.5 (MANE Select); coding-DNA position 735, C replaced by T.
Protein change: p.Tyr245=; no amino-acid change (tyrosine 245 retained).
Molecular consequence: synonymous variant.
Genome position (GRCh38, 1-based): chr7:101,213,149, G>A on the plus strand (C>T on the coding strand, the complement: PLOD3 is on the minus strand). VCF-style: chr7-101213149-G-A. GRCh37 (hg19) VCF-style: chr7-100856430-G-A.
Identifiers: ClinVar variation 715957 (VCV000715957.12), dbSNP rs149684440, ClinGen allele CA4408047.